The following is an entry in ClinVar:

ClinVar aggregate classification (germline): Pathogenic (1 of 4 stars; one submission).

Submission:

Labcorp Genetics (formerly Invitae), Labcorp
Classification: Pathogenic. Last evaluated: 2026-01-19. Review status: criteria provided, single submitter. Criteria: Invitae Variant Classification Sherloc (09022015). Collection method: clinical testing. Allele origin: germline.
Comment: This sequence change affects an acceptor splice site in intron 27 of the EYS gene. It is expected to disrupt RNA splicing. Variants that disrupt the donor or acceptor splice site typically lead to a loss of protein function (PMID: 16199547), and loss-of-function variants in EYS are known to be pathogenic (PMID: 18836446, 20333770). This variant is not present in population databases (gnomAD no frequency). Disruption of this splice site has been observed in individuals with clinical features of retinitis pigmentosa (internal data). Algorithms developed to predict the effect of sequence changes on RNA splicing suggest that this variant may disrupt the consensus splice site. For these reasons, this variant has been classified as Pathogenic.

Literature cited by the submitters: PubMed 16199547; PubMed 18836446; PubMed 20333770.

NM_001142800.2(EYS):c.5836-1G>T

Gene: EYS (EGF-like photoreceptor maintenance factor; minus strand). Cytogenetic location: 6q12.
Variant type: single nucleotide variant.
Coding change: c.5836-1G>T on transcript NM_001142800.2 (MANE Select); the canonical splice acceptor site of the intron before coding-DNA position 5836, G replaced by T.
Molecular consequence: splice acceptor variant.
Genome position (GRCh38, 1-based): chr6:64,436,266, C>A on the plus strand (G>T on the coding strand, the complement: EYS is on the minus strand). VCF-style: chr6-64436266-C-A. GRCh37 (hg19) VCF-style: chr6-65146159-C-A.
Other names: c.5836-1G>T (NM_001292009.2).
Identifiers: ClinVar variation 4717897 (VCV004717897.1).